The following is an entry in ClinVar:

NM_023110.3(FGFR1):c.1977C>T (p.Asn659=)

Gene: FGFR1 (fibroblast growth factor receptor 1; minus strand). Cytogenetic location: 8p11.23.
Variant type: single nucleotide variant.
Coding change: c.1977C>T on transcript NM_023110.3 (MANE Select); coding-DNA position 1977, C replaced by T.
Protein change: p.Asn659=; no amino-acid change (asparagine 659 retained).
Molecular consequence: synonymous variant.
Genome position (GRCh38, 1-based): chr8:38,414,779, G>A on the plus strand (C>T on the coding strand, the complement: FGFR1 is on the minus strand). VCF-style: chr8-38414779-G-A. GRCh37 (hg19) VCF-style: chr8-38272297-G-A.
Other names: c.1977C>T, p.Asn659= (NM_000604.2); c.1971C>T, p.Asn657= (NM_001174063.2, NM_001174065.2, NM_001354367.2 and 1 more transcripts); c.1947C>T, p.Asn649= (NM_001174064.2); c.1710C>T, p.Asn570= (NM_001174066.2, NM_023105.3); c.2070C>T, p.Asn690= (NM_001174067.2); c.1698C>T, p.Asn566= (NM_001354368.2); c.1965C>T, p.Asn655= (NM_001354369.2, NM_001410922.1); c.1704C>T, p.Asn568= (NM_001354370.2, NM_023106.3).
Identifiers: ClinVar variation 2932297 (VCV002932297.8), dbSNP rs1296971200, ClinGen allele CA460395351.

ClinVar aggregate classification (germline): Conflicting classifications of pathogenicity. Review status: criteria provided, conflicting classifications (1 of 4 stars). 2 submissions from 2 submitters: Uncertain significance (1); Likely benign (1). Last evaluated 2025-12-01.

Conditions:
Pfeiffer syndrome (ACS5). Also called: ACS V. Identifiers: Orphanet 710, MedGen C0220658, MONDO:0007043, OMIM 101600.
Hypogonadotropic hypogonadism 2 with or without anosmia (HH2). Also called: HYPOGONADOTROPIC HYPOGONADISM 2 WITHOUT ANOSMIA, SUSCEPTIBILITY TO; HYPOGONADOTROPIC HYPOGONADISM 2 WITHOUT ANOSMIA; HYPOGONADOTROPIC HYPOGONADISM 2 WITH OR WITHOUT ANOSMIA, SUSCEPTIBILITY TO; FGFR1-Related GnRH Deficiency (Kallmann Syndrome 2). Identifiers: Orphanet 478, MedGen C1563720, MONDO:0007844, OMIM 147950. Disease mechanism: loss of function.

Allele frequency attached by ClinVar (database versions not stated): gnomAD exomes 0.00001; TOPMed 0.00001.
gnomAD v4.1: 4 of 1,614,096 alleles (0.00025%); highest among the groups gnomAD compares: African/African-American, 0.004%; no homozygotes.

Submissions (2):

CeGaT Center for Human Genetics Tuebingen
Classification: Likely benign. Last evaluated: 2025-12-01. Review status: criteria provided, single submitter. Criteria: CeGaT Center For Human Genetics Tuebingen Variant Classification Criteria Version 2. Collection method: clinical testing. Allele origin: germline. Affected: yes. Observed: 1 variant allele.
Comment: FGFR1: BP4, BP7

Labcorp Genetics (formerly Invitae), Labcorp
Classification: Uncertain significance for Pfeiffer syndrome; Hypogonadotropic hypogonadism 2 with or without anosmia. Last evaluated: 2022-12-13. Review status: criteria provided, single submitter. Criteria: Invitae Variant Classification Sherloc (09022015). Collection method: clinical testing. Allele origin: germline.
Comment: In summary, the available evidence is currently insufficient to determine the role of this variant in disease. Therefore, it has been classified as a Variant of Uncertain Significance. Algorithms developed to predict the effect of sequence changes on RNA splicing suggest that this variant is not likely to affect RNA splicing. This variant has not been reported in the literature in individuals affected with FGFR1-related conditions. This variant is present in population databases (no rsID available, gnomAD 0.007%). This sequence change affects codon 659 of the FGFR1 mRNA. It is a 'silent' change, meaning that it does not change the encoded amino acid sequence of the FGFR1 protein. It affects a nucleotide within the consensus splice site.